The following is an entry in ClinVar:

ClinVar aggregate classification (germline): Uncertain significance. Review status: criteria provided, single submitter (1 of 4 stars). 2 submissions from 2 submitters: Uncertain significance (1). 1 of the submissions does not count toward it. Last evaluated 2024-12-03.

Conditions:
MECOM-related disorder. Also called: MECOM-related condition.

Allele frequency attached by ClinVar (database versions not stated): ESP Exome Variant Server 0.00017.
gnomAD v4.1: 168 of 1,613,778 alleles (0.01%); highest among the groups gnomAD compares: Middle Eastern, 0.13%; 2 homozygotes.

Submissions (2):

GeneDx
Classification: Uncertain significance. Last evaluated: 2024-12-03. Review status: criteria provided, single submitter. Criteria: GeneDx Variant Classification Process June 2021. Collection method: clinical testing. Allele origin: germline. Affected: yes.
Comment: In silico analysis supports that this missense variant has a deleterious effect on protein structure/function; Has not been previously published as pathogenic or benign to our knowledge; Reported using an alternate transcript of the gene

PreventionGenetics, part of Exact Sciences
Classification: Likely benign for MECOM-related condition. Last evaluated: 2024-01-10. Review status: no assertion criteria provided. Collection method: clinical testing. Allele origin: germline. Not counted in ClinVar's aggregate classification.
Comment: This variant is classified as likely benign based on ACMG/AMP sequence variant interpretation guidelines (Richards et al. 2015 PMID: 25741868, with internal and published modifications).

NM_004991.4(MECOM):c.188C>G (p.Pro63Arg)

Gene: MECOM (MDS1 and EVI1 complex locus; minus strand). Cytogenetic location: 3q26.2.
Variant type: single nucleotide variant.
Coding change: c.188C>G on transcript NM_004991.4 (MANE Select); coding-DNA position 188, C replaced by G.
Protein change: p.Pro63Arg; replaces proline 63 with arginine.
Molecular consequence: missense variant. On other transcripts: intron variant (1).
Genome position (GRCh38, 1-based): chr3:169,381,374, G>C on the plus strand (C>G on the coding strand, the complement: MECOM is on the minus strand). VCF-style: chr3-169381374-G-C. GRCh37 (hg19) VCF-style: chr3-169099162-G-C.
Other names: c.188C>G, p.Pro63Arg (NM_001366466.2, NM_001366473.2); c.-189-237542C>G (NM_001205194.2); short protein forms P63R.
Identifiers: ClinVar variation 3034692 (VCV003034692.3), dbSNP rs369363004, ClinGen allele CA2696704.